The following is an entry in ClinVar:

NM_020754.4(ARHGAP31):c.2814G>T (p.Gln938His)

Gene: ARHGAP31 (Rho GTPase activating protein 31; plus strand). Cytogenetic location: 3q13.33.
Variant type: single nucleotide variant.
Coding change: c.2814G>T on transcript NM_020754.4 (MANE Select); coding-DNA position 2814, G replaced by T.
Protein change: p.Gln938His; replaces glutamine 938 with histidine.
Molecular consequence: missense variant.
Genome position (GRCh38, 1-based): chr3:119,414,743, G>T. VCF-style: chr3-119414743-G-T. GRCh37 (hg19) VCF-style: chr3-119133590-G-T.
Other names: short protein forms Q938H.
Identifiers: ClinVar variation 342663 (VCV000342663.17), dbSNP rs201519258, ClinGen allele CA2554100.

ClinVar aggregate classification (germline): Likely benign. Review status: criteria provided, multiple submitters, no conflicts (2 of 4 stars). 4 submissions from 4 submitters: Likely benign (3). 1 of the submissions does not count toward it. Last evaluated 2025-09-20.

Conditions:
ARHGAP31-related disorder. Also called: ARHGAP31-related condition.

Allele frequency attached by ClinVar (database versions not stated): 1000 Genomes Project 0.00040; 1000 Genomes Project 30x 0.00062; ExAC 0.00090; gnomAD exomes 0.00099 and 0.00225; gnomAD 0.00130 and 0.00135; TOPMed 0.00144; ESP Exome Variant Server 0.00198.
gnomAD v4.1: 3,459 of 1,614,210 alleles (0.21%); highest among the groups gnomAD compares: Non-Finnish European, 0.27%; 9 homozygotes.

Submissions (4):

Labcorp Genetics (formerly Invitae), Labcorp
Classification: Likely benign. Last evaluated: 2025-09-20. Review status: criteria provided, single submitter. Criteria: Invitae Variant Classification Sherloc (09022015). Collection method: clinical testing. Allele origin: germline.

Blueprint Genetics
Classification: Likely benign. Last evaluated: 2024-10-25. Review status: criteria provided, single submitter. Criteria: ACMG Guidelines, 2015. Collection method: clinical testing. Allele origin: germline.

Eurofins Ntd Llc (ga)
Classification: Likely benign. Last evaluated: 2017-07-19. Review status: criteria provided, single submitter. Criteria: EGL Classification Definitions 2015. Collection method: clinical testing. Allele origin: germline. Observed: 1 variant allele, 1 heterozygote.

PreventionGenetics, part of Exact Sciences
Classification: Likely benign for ARHGAP31-related condition. Last evaluated: 2022-06-14. Review status: no assertion criteria provided. Collection method: clinical testing. Allele origin: germline. Not counted in ClinVar's aggregate classification.
Comment: This variant is classified as likely benign based on ACMG/AMP sequence variant interpretation guidelines (Richards et al. 2015 PMID: 25741868, with internal and published modifications).